The following is an entry in ClinVar:

NM_000179.3(MSH6):c.2495del (p.Leu832fs)

Gene: MSH6 (mutS homolog 6; plus strand). Cytogenetic location: 2p16.3.
Variant type: Deletion.
Coding change: c.2495del on transcript NM_000179.3 (MANE Select); coding-DNA position 2495, one base deleted (T; older notation c.2495delT).
Protein change: p.Leu832fs; shifts the reading frame from leucine 832.
Molecular consequence: frameshift variant. On other transcripts: non-coding transcript variant (5), intron variant (3).
Genome position (GRCh38, 1-based): chr2:47,800,478, T deleted. VCF-style (leftmost placement, unchanged base first): chr2-47800477-CT-C. GRCh37 (hg19) VCF-style: chr2-48027616-CT-C.
Other names: c.2198del, p.Leu733fs (NM_001406819.1, NM_001406820.1, NM_001406821.1 and 10 more transcripts); c.1589del, p.Leu530fs (NM_001406823.1, NM_001406829.1, NM_001281493.2 and 6 more transcripts); c.2327del, p.Leu776fs (NM_001406826.1); c.2308+187del (NM_001406803.1); c.1606+889del (NM_001406817.1); c.628-188del (NM_001407362.1); c.2105del, p.Leu702fs (NM_001281492.2); c.2591del, p.Leu864fs (NM_001406795.1, NM_001406802.1); and 4 more; short protein forms L832fs, L530fs, L834fs, L864fs, L657fs, L733fs, L776fs, L702fs.
Identifiers: ClinVar variation 2867607 (VCV002867607.3), dbSNP rs2530675908, ClinGen allele CA2739274369.

ClinVar aggregate classification (germline): Pathogenic (1 of 4 stars; one submission).

Conditions:
Hereditary nonpolyposis colorectal neoplasms. Identifiers: MedGen C0009405, MeSH D003123.

Submission:

Labcorp Genetics (formerly Invitae), Labcorp
Classification: Pathogenic for Hereditary nonpolyposis colorectal neoplasms. Last evaluated: 2023-08-30. Review status: criteria provided, single submitter. Criteria: Invitae Variant Classification Sherloc (09022015). Collection method: clinical testing. Allele origin: germline.
Comment: For these reasons, this variant has been classified as Pathogenic. This variant has not been reported in the literature in individuals affected with MSH6-related conditions. This variant is not present in population databases (gnomAD no frequency). This sequence change creates a premature translational stop signal (p.Leu832Argfs*12) in the MSH6 gene. It is expected to result in an absent or disrupted protein product. Loss-of-function variants in MSH6 are known to be pathogenic (PMID: 18269114, 24362816).

Literature cited by the submitters: PubMed 18269114; PubMed 24362816.